The following is an entry in ClinVar:

ClinVar aggregate classification (germline): Likely pathogenic (1 of 4 stars; one submission).

Conditions:
Pontocerebellar hypoplasia type 7. Identifiers: Orphanet 284339, MedGen C3554226, MONDO:0013993, OMIM 614969.

Allele frequency attached by ClinVar (database versions not stated): gnomAD exomes 0.00001; ExAC 0.00001.
gnomAD v4.1: 10 of 1,613,952 alleles (0.00062%); highest among the groups gnomAD compares: South Asian, 0.0033%; no homozygotes.

Submission:

Department of Medical Genetics, International Peace Maternity and Child Health Hospital, Shanghai Jiao Tong University School of Medicine
Classification: Likely pathogenic for Pontocerebellar hypoplasia type 7. Last evaluated: 2021-09-01. Review status: criteria provided, single submitter. Criteria: ACMG Guidelines, 2015. Collection method: clinical testing. Allele origin: maternal. Inheritance: Autosomal recessive inheritance. Affected: yes. Observed: 1 compound heterozygote.
Comment: The c.237-2A>G variant located at intron 3 of TOE1 had an extremely low (0.0008%) allelic frequency (gnomAD) and has not been reported previously. According to the ACMG/AMP 2015 guideline (Richards et al., 2015), it was classified as pathogenic (PVS1+ PM2+ PM3).

Literature cited by the submitters: PubMed 28092684.

NM_025077.4(TOE1):c.237-2A>G

Gene: TOE1 (target of EGR1, exonuclease; plus strand). Cytogenetic location: 1p34.1.
Variant type: single nucleotide variant.
Coding change: c.237-2A>G on transcript NM_025077.4 (MANE Select); the canonical splice acceptor site of the intron before coding-DNA position 237, A replaced by G.
Molecular consequence: splice acceptor variant.
Genome position (GRCh38, 1-based): chr1:45,341,471, A>G. VCF-style: chr1-45341471-A-G. GRCh37 (hg19) VCF-style: chr1-45807143-A-G.
Identifiers: ClinVar variation 1279928 (VCV001279928.2), dbSNP rs773776995, ClinGen allele CA826507.